The following is an entry in ClinVar:

ClinVar aggregate classification (germline): Uncertain significance (1 of 4 stars; one submission).

Conditions:
Atrial fibrillation, familial, 7 (ATFB7). Identifiers: MedGen C2677106, MONDO:0012828, OMIM 612240.

Allele frequency attached by ClinVar (database versions not stated): ExAC 0.00001; gnomAD exomes 0.00002.

Submission:

Labcorp Genetics (formerly Invitae), Labcorp
Classification: Uncertain significance for Atrial fibrillation, familial, 7. Last evaluated: 2024-10-28. Review status: criteria provided, single submitter. Criteria: Invitae Variant Classification Sherloc (09022015). Collection method: clinical testing. Allele origin: germline.
Comment: This sequence change replaces asparagine, which is neutral and polar, with lysine, which is basic and polar, at codon 230 of the KCNA5 protein (p.Asn230Lys). This variant is present in population databases (rs768912404, gnomAD 0.006%). This missense change has been observed in individual(s) with sudden unexplained death (PMID: 29247119). ClinVar contains an entry for this variant (Variation ID: 1492635). An algorithm developed to predict the effect of missense changes on protein structure and function outputs the following: PolyPhen-2: "Benign". The lysine amino acid residue is found in multiple mammalian species, which suggests that this missense change does not adversely affect protein function. In summary, the available evidence is currently insufficient to determine the role of this variant in disease. Therefore, it has been classified as a Variant of Uncertain Significance.

Literature cited by the submitters: PubMed 29247119.

NM_002234.4(KCNA5):c.690C>G (p.Asn230Lys)

Gene: KCNA5 (potassium voltage-gated channel subfamily A member 5; plus strand). Cytogenetic location: 12p13.32.
Variant type: single nucleotide variant.
Coding change: c.690C>G on transcript NM_002234.4 (MANE Select); coding-DNA position 690, C replaced by G.
Protein change: p.Asn230Lys; replaces asparagine 230 with lysine.
Molecular consequence: missense variant.
Genome position (GRCh38, 1-based): chr12:5,044,837, C>G. VCF-style: chr12-5044837-C-G. GRCh37 (hg19) VCF-style: chr12-5154003-C-G.
Other names: short protein forms N230K.
Identifiers: ClinVar variation 1492635 (VCV001492635.8), dbSNP rs768912404, ClinGen allele CA6399696.